The following is an entry in ClinVar:

ClinVar aggregate classification (germline): Conflicting classifications of pathogenicity. Review status: criteria provided, conflicting classifications (1 of 4 stars). 5 submissions from 5 submitters: Uncertain significance (1); Benign (2); Likely benign (2). Last evaluated 2025-12-22.

Conditions:
Cardiac arrhythmia, ankyrin-B-related. Also called: ANKYRIN-B SYNDROME. Identifiers: Orphanet 101016, Orphanet 768, MedGen C1970119, MONDO:0010958, OMIM 600919.
Long QT syndrome (LQTS). Identifiers: MedGen C0023976, MeSH D008133, MONDO:0002442. Disease mechanism: loss of function. Inheritance: Various modes of inheritance.

Allele frequency attached by ClinVar (database versions not stated): gnomAD 0.00011 and 0.00017; 1000 Genomes Project 30x 0.00016; gnomAD exomes 0.00017 and 0.00031; TOPMed 0.00019; 1000 Genomes Project 0.00020; ESP Exome Variant Server 0.00023; ExAC 0.00032.
gnomAD v4.1: 289 of 1,586,402 alleles (0.018%); highest among the groups gnomAD compares: Middle Eastern, 0.35%; 1 homozygote.

Submissions (5):

Labcorp Genetics (formerly Invitae), Labcorp
Classification: Likely benign for Long QT syndrome. Last evaluated: 2025-12-22. Review status: criteria provided, single submitter. Criteria: Invitae Variant Classification Sherloc (09022015). Collection method: clinical testing. Allele origin: germline.

Blueprint Genetics
Classification: Likely benign. Last evaluated: 2024-03-28. Review status: criteria provided, single submitter. Criteria: ACMG Guidelines, 2015. Collection method: clinical testing. Allele origin: germline.

Women's Health and Genetics/Laboratory Corporation of America, LabCorp
Classification: Benign. Last evaluated: 2019-10-22. Review status: criteria provided, single submitter. Criteria: LabCorp Variant Classification Summary - May 2015. Collection method: clinical testing. Allele origin: germline.
Comment: Variant summary: ANK2 c.792+15A>G alters a nucleotide located close to a canonical splice site and therefore could affect mRNA splicing, leading to a significantly altered protein sequence. 5/5 computational tools predict no significant impact on normal splicing. However, these predictions have yet to be confirmed by functional studies. The variant allele was found at a frequency of 0.00031 in 251156 control chromosomes. The observed variant frequency is approximately 31-folds over the estimated maximal expected allele frequency for a pathogenic variant in ANK2 causing Arrhythmia phenotype (1e-05), strongly suggesting that the variant is benign. To our knowledge, no occurrence of c.792+15A>G in individuals affected with Arrhythmia and no experimental evidence demonstrating its impact on protein function have been reported. A ClinVar submission (evaluation after 2014) cites the variant as benign. Based on the evidence outlined above, the variant was classified as benign.

Illumina Laboratory Services, Illumina
Classification: Uncertain significance for Cardiac arrhythmia, ankyrin-B-related. Last evaluated: 2018-01-13. Review status: criteria provided, single submitter. Criteria: ICSL Variant Classification Criteria 13 December 2019. Collection method: clinical testing. Allele origin: germline.

GeneDx
Classification: Benign. Last evaluated: 2015-05-14. Review status: criteria provided, single submitter. Criteria: GeneDx Variant Classification (06012015). Collection method: clinical testing. Allele origin: germline. Affected: yes.
Comment: This variant is considered likely benign or benign based on one or more of the following criteria: it is a conservative change, it occurs at a poorly conserved position in the protein, it is predicted to be benign by multiple in silico algorithms, and/or has population frequency not consistent with disease.

NM_001148.6(ANK2):c.792+15A>G

Gene: ANK2 (ankyrin 2; plus strand). Cytogenetic location: 4q26.
Variant type: single nucleotide variant.
Coding change: c.792+15A>G on transcript NM_001148.6 (MANE Select); 15 bases into the intron after coding-DNA position 792, A replaced by G.
Molecular consequence: intron variant.
Genome position (GRCh38, 1-based): chr4:113,240,598, A>G. VCF-style: chr4-113240598-A-G. GRCh37 (hg19) VCF-style: chr4-114161754-A-G.
Other names: c.780+15A>G (NM_001386186.2, NM_001386148.2, NM_001354269.3); c.756+15A>G (NM_001386187.2); c.750+15A>G (NM_001386147.1, NM_001386160.1, NM_001354261.2); c.729+15A>G (NM_001354254.2, NM_001354239.2, NM_001354252.2 and 14 more transcripts); c.705+15A>G (NM_001354249.2, NM_001354266.2, NM_001354276.2 and 16 more transcripts); c.837+15A>G (NM_001354241.2, NM_001386152.1, NM_001354237.2 and 5 more transcripts); c.792+15A>G (NM_001354225.2, NM_001354235.2, NM_001354246.2 and 9 more transcripts); c.843+15A>G (NM_001386174.1); and 1 more.
Identifiers: ClinVar variation 377471 (VCV000377471.14), dbSNP rs375914552, ClinGen allele CA3050109.